The following is an entry in ClinVar:

NM_000384.3(APOB):c.3899T>C (p.Leu1300Ser)

Gene: APOB (apolipoprotein B; minus strand). Cytogenetic location: 2p24.1.
Variant type: single nucleotide variant.
Coding change: c.3899T>C on transcript NM_000384.3 (MANE Select); coding-DNA position 3899, T replaced by C.
Protein change: p.Leu1300Ser; replaces leucine 1300 with serine.
Molecular consequence: missense variant.
Genome position (GRCh38, 1-based): chr2:21,013,477, A>G on the plus strand (T>C on the coding strand, the complement: APOB is on the minus strand). VCF-style: chr2-21013477-A-G. GRCh37 (hg19) VCF-style: chr2-21236349-A-G.
Other names: short protein forms L1300S.
Identifiers: ClinVar variation 3231410 (VCV003231410.1), dbSNP rs1463222984, ClinGen allele CA346008035.

ClinVar aggregate classification (germline): Uncertain significance (1 of 4 stars; one submission).

Conditions:
Cardiovascular phenotype. Identifiers: MedGen CN230736.

Allele frequency attached by ClinVar (database versions not stated): gnomAD exomes below 0.00001; gnomAD 0.00001; TOPMed 0.00001.
gnomAD v4.1: 4 of 1,614,092 alleles (0.00025%); highest among the groups gnomAD compares: Non-Finnish European, 0.00034%; no homozygotes.

Submission:

Ambry Genetics
Classification: Uncertain significance for Cardiovascular phenotype. Last evaluated: 2023-11-06. Review status: criteria provided, single submitter. Criteria: Ambry Variant Classification Scheme 2023. Collection method: clinical testing. Allele origin: germline.
Comment: The p.L1300S variant (also known as c.3899T>C), located in coding exon 25 of the APOB gene, results from a T to C substitution at nucleotide position 3899. The leucine at codon 1300 is replaced by serine, an amino acid with dissimilar properties. This amino acid position is conserved. In addition, this alteration is predicted to be tolerated by in silico analysis. Since supporting evidence is limited at this time, the clinical significance of this alteration remains unclear.